The following is an entry in ClinVar:

NM_000051.4(ATM):c.1534A>G (p.Ile512Val)

Gene: ATM (ATM serine/threonine kinase; plus strand). Cytogenetic location: 11q22.3.
Variant type: single nucleotide variant.
Coding change: c.1534A>G on transcript NM_000051.4 (MANE Select); coding-DNA position 1534, A replaced by G.
Protein change: p.Ile512Val; replaces isoleucine 512 with valine.
Molecular consequence: missense variant.
Genome position (GRCh38, 1-based): chr11:108,250,999, A>G. VCF-style: chr11-108250999-A-G. GRCh37 (hg19) VCF-style: chr11-108121726-A-G.
Other names: c.1534A>G, p.Ile512Val (NM_001351834.2); short protein forms I512V.
Identifiers: ClinVar variation 229763 (VCV000229763.5), dbSNP rs876658180, ClinGen allele CA10579013.
Genomic context (GRCh38, chr11:108,250,999, plus strand): 5'-TTTCGTGGTATAAGTTCTGAGCAAATACAAGCTGAAAACTTTGGCTTACTTGGAGCCATA[A>G]TTCAGGGTAGTTTAGTTGAGGTTGACAGAGAATTCTGGAAGTTATTTACTGGGTCAGCCT-3'
Protein context (NP_000042.3, residues 502-522): AENFGLLGAI[Ile512Val]QGSLVEVDRE

ClinVar aggregate classification (germline): Uncertain significance (1 of 4 stars; one submission).

Conditions:
Hereditary cancer-predisposing syndrome. Also called: Hereditary neoplastic syndrome; Hereditary Cancer Syndrome; Neoplastic Syndromes, Hereditary; Tumor predisposition. Identifiers: Orphanet 140162, MedGen C0027672, MeSH D009386, MONDO:0015356.

Submission:

Ambry Genetics
Classification: Uncertain significance for Hereditary cancer-predisposing syndrome. Last evaluated: 2022-10-17. Review status: criteria provided, single submitter. Criteria: Ambry Variant Classification Scheme 2023. Collection method: clinical testing. Allele origin: germline.
Comment: The p.I512V variant (also known as c.1534A>G), located in coding exon 9 of the ATM gene, results from an A to G substitution at nucleotide position 1534. The isoleucine at codon 512 is replaced by valine, an amino acid with highly similar properties. This amino acid position is well conserved in available vertebrate species. In addition, this alteration is predicted to be tolerated by in silico analysis. Since supporting evidence is limited at this time, the clinical significance of this alteration remains unclear.